The following is an entry in ClinVar:

ClinVar aggregate classification (germline): Uncertain significance (1 of 4 stars; one submission).

Submission:

GeneDx
Classification: Uncertain significance. Last evaluated: 2025-03-30. Review status: criteria provided, single submitter. Criteria: GeneDx Variant Classification Process June 2021. Collection method: clinical testing. Allele origin: germline. Affected: yes.
Comment: Not observed at significant frequency in large population cohorts (gnomAD); In silico analysis indicates that this missense variant does not alter protein structure/function; Has not been previously published as pathogenic or benign to our knowledge

NM_001258392.3(CLPB):c.331G>A (p.Ala111Thr)

Gene: CLPB (ClpB family mitochondrial disaggregase; minus strand). Cytogenetic location: 11q13.4.
Variant type: single nucleotide variant.
Coding change: c.331G>A on transcript NM_001258392.3 (MANE Select); coding-DNA position 331, G replaced by A.
Protein change: p.Ala111Thr; replaces alanine 111 with threonine.
Molecular consequence: missense variant.
Genome position (GRCh38, 1-based): chr11:72,434,144, C>T on the plus strand (G>A on the coding strand, the complement: CLPB is on the minus strand). VCF-style: chr11-72434144-C-T. GRCh37 (hg19) VCF-style: chr11-72145188-C-T.
Other names: c.331G>A, p.Ala111Thr (NM_001258393.3, NM_030813.6); c.89G>A, p.Gly30Asp (NM_001258394.3); short protein forms A111T, G30D.
Identifiers: ClinVar variation 4278652 (VCV004278652.1).